The following is an entry in ClinVar:

ClinVar aggregate classification (germline): Uncertain significance (1 of 4 stars; one submission).

Conditions:
Neurofibromatosis, type 1 (NF1). Also called: Peripheral type neurofibromatosis; VON RECKLINGHAUSEN DISEASE; NEUROFIBROMATOSIS, TYPE I, SOMATIC; Neurofibromatosis, type I. Identifiers: Orphanet 636, MedGen C0027831, MONDO:0018975, OMIM 162200. Disease mechanism: loss of function.

Submission:

Labcorp Genetics (formerly Invitae), Labcorp
Classification: Uncertain significance for Neurofibromatosis, type 1. Last evaluated: 2022-08-20. Review status: criteria provided, single submitter. Criteria: Invitae Variant Classification Sherloc (09022015). Collection method: clinical testing. Allele origin: germline.
Comment: In summary, the available evidence is currently insufficient to determine the role of this variant in disease. Therefore, it has been classified as a Variant of Uncertain Significance. This variant disrupts the p.Val1751 amino acid residue in NF1. Other variant(s) that disrupt this residue have been determined to be pathogenic (Invitae). This suggests that this residue is clinically significant, and that variants that disrupt this residue are likely to be disease-causing. Algorithms developed to predict the effect of missense changes on protein structure and function are either unavailable or do not agree on the potential impact of this missense change (SIFT: "Deleterious"; PolyPhen-2: "Probably Damaging"; Align-GVGD: "Class C0"). This variant has not been reported in the literature in individuals affected with NF1-related conditions. This variant is not present in population databases (gnomAD no frequency). This sequence change replaces valine, which is neutral and non-polar, with isoleucine, which is neutral and non-polar, at codon 1751 of the NF1 protein (p.Val1751Ile).

NM_001042492.3(NF1):c.5314G>A (p.Val1772Ile)

Gene: NF1 (neurofibromin 1; plus strand). Cytogenetic location: 17q11.2.
Variant type: single nucleotide variant.
Coding change: c.5314G>A on transcript NM_001042492.3 (MANE Select); coding-DNA position 5314, G replaced by A.
Protein change: p.Val1772Ile; replaces valine 1772 with isoleucine.
Molecular consequence: missense variant.
Genome position (GRCh38, 1-based): chr17:31,327,544, G>A. VCF-style: chr17-31327544-G-A. GRCh37 (hg19) VCF-style: chr17-29654562-G-A.
Other names: c.5251G>A, p.Val1751Ile (NM_000267.4); short protein forms V1751I, V1772I.
Identifiers: ClinVar variation 1717063 (VCV001717063.5), dbSNP rs1567612377, ClinGen allele CA399009092.